The following is an entry in ClinVar:

ClinVar aggregate classification (germline): Uncertain significance. Review status: criteria provided, multiple submitters, no conflicts (2 of 4 stars). 3 submissions from 3 submitters: Uncertain significance (3). Last evaluated 2024-11-21.

Conditions:
Arrhythmogenic right ventricular cardiomyopathy (ARVD). Also called: Cardiomyopathy, ARVC; Arrhythmogenic cardiomyopathy; Arrhythmogenic Right Ventricular Cardiomyopathy (ARVC); Arrhythmogenic right ventricular dysplasia. Identifiers: Orphanet 247, MedGen C0349788, MeSH D019571, MONDO:0016587. Disease mechanism: loss of function. Inheritance: Various modes of inheritance.
Cardiomyopathy (CMYO). Also called: Cardiomyopathies. Identifiers: Orphanet 167848, MedGen C0878544, MONDO:0004994, HP:0001638. Inheritance: Various modes of inheritance.
Arrhythmogenic right ventricular dysplasia 9 (ARVD9). Also called: ARRHYTHMOGENIC RIGHT VENTRICULAR DYSPLASIA, FAMILIAL, 9; Arrhythmogenic Right Ventricular Dysplasia/Cardiomyopathy 9. Identifiers: MedGen C1836906, MONDO:0012180, OMIM 609040.

Allele frequency attached by ClinVar (database versions not stated): gnomAD 0.00003.
gnomAD v4.1: 11 of 539,712 alleles (0.002%); highest among the groups gnomAD compares: African/African-American, 0.0038%; no homozygotes.

Submissions (3):

Labcorp Genetics (formerly Invitae), Labcorp
Classification: Uncertain significance for Arrhythmogenic right ventricular dysplasia 9. Last evaluated: 2024-11-21. Review status: criteria provided, single submitter. Criteria: Invitae Variant Classification Sherloc (09022015). Collection method: clinical testing. Allele origin: germline.
Comment: This sequence change replaces glutamine, which is neutral and polar, with histidine, which is basic and polar, at codon 499 of the PKP2 protein (p.Gln499His). This variant is present in population databases (no rsID available, gnomAD 0.003%). This variant has not been reported in the literature in individuals affected with PKP2-related conditions. ClinVar contains an entry for this variant (Variation ID: 2080566). An algorithm developed to predict the effect of missense changes on protein structure and function (PolyPhen-2) suggests that this variant¬†is likely to be tolerated. In summary, the available evidence is currently insufficient to determine the role of this variant in disease. Therefore, it has been classified as a Variant of Uncertain Significance.

All of Us Research Program, National Institutes of Health
Classification: Uncertain significance for Arrhythmogenic right ventricular cardiomyopathy. Last evaluated: 2024-07-23. Review status: criteria provided, single submitter. Criteria: ACMG Guidelines, 2015. Collection method: clinical testing. Allele origin: germline. Inheritance: Autosomal dominant inheritance. Observed: 7 variant alleles, 7 heterozygotes.
Comment: This missense variant replaces glutamine with histidine at codon 499 of the PKP2 protein. Computational prediction suggests that this variant may not impact protein structure and function (internally defined REVEL score threshold <= 0.5, PMID: 27666373). To our knowledge, functional studies have not been reported for this variant. This variant has not been reported in individuals affected with PKP2-related disorders in the literature. This variant has been identified in 4/207776 chromosomes in the general population by the Genome Aggregation Database (gnomAD). The available evidence is insufficient to determine the role of this variant in disease conclusively. Therefore, this variant is classified as a Variant of Uncertain Significance.

This study involves interpretation of variants in research participants for the purpose of population health screening. Participant phenotype was not available at the time of variant classification. Additional details can be found in publication PMID: 35346344, PMCID: PMC8962531

Color Diagnostics, LLC DBA Color Health
Classification: Uncertain significance for Cardiomyopathy. Last evaluated: 2024-02-28. Review status: criteria provided, single submitter. Criteria: ACMG Guidelines, 2015. Collection method: clinical testing. Allele origin: germline.
Comment: This missense variant replaces glutamine with histidine at codon 499 of the PKP2 protein. Computational prediction suggests that this variant may not impact protein structure and function. To our knowledge, functional studies have not been reported for this variant. This variant has not been reported in individuals affected with PKP2-related disorders in the literature. This variant has been identified in 4/207776 chromosomes in the general population by the Genome Aggregation Database (gnomAD). The available evidence is insufficient to determine the role of this variant in disease conclusively. Therefore, this variant is classified as a Variant of Uncertain Significance.

NM_001005242.3(PKP2):c.1379-1990G>T

Gene: PKP2 (plakophilin 2; minus strand). Cytogenetic location: 12p11.21.
Variant type: single nucleotide variant.
Coding change: c.1379-1990G>T on transcript NM_001005242.3 (MANE Select); 1990 bases into the intron before coding-DNA position 1379, G replaced by T.
Molecular consequence: intron variant. On other transcripts: missense variant (2).
Genome position (GRCh38, 1-based): chr12:32,843,195, C>A on the plus strand (G>T on the coding strand, the complement: PKP2 is on the minus strand). VCF-style: chr12-32843195-C-A. GRCh37 (hg19) VCF-style: chr12-32996129-C-A.
Other names: c.1497G>T, p.Gln499His (NM_001407157.1, NM_004572.4); short protein forms Q499H.
Identifiers: ClinVar variation 2080566 (VCV002080566.5), dbSNP rs747472526, ClinGen allele CA384368575.